The following is an entry in ClinVar:

ClinVar aggregate classification (germline): Pathogenic/Likely pathogenic. Review status: criteria provided, multiple submitters, no conflicts (2 of 4 stars). 5 submissions from 5 submitters: Pathogenic (4); Likely pathogenic (1). Last evaluated 2026-09-17.

Conditions:
Fetal anomalies with a likely genetic cause.
Dyggve-Melchior-Clausen syndrome (DMC). Also called: Dyggve-Melchior-Clausen disease; DMC syndrome. Identifiers: Orphanet 239, MedGen C0265286, MONDO:0009130, OMIM 223800.

Allele frequency attached by ClinVar (database versions not stated): ExAC 0.00004; TOPMed 0.00002; gnomAD exomes 0.00003.
gnomAD v4.1: 35 of 1,612,772 alleles (0.0022%); highest among the groups gnomAD compares: Non-Finnish European, 0.0028%; no homozygotes.

Submissions (5):

GeneDx
Classification: Pathogenic. Last evaluated: 2026-09-17. Review status: criteria provided, single submitter. Criteria: GeneDx Variant Classification Process June 2021. Collection method: clinical testing. Allele origin: germline.
Comment: Has been reported in trans with a nonsense variant in a patient with clincial features of Dyggve-Melchior-Clausen syndrome in published peer reviewed literature (PMID: 16326827); Has also been reported in a meeting abstract by Schenon et al. (2025), in a patient with a DYM-related phenotype who harbored a second variant, but phase of the variants was not determined (P505: Schenone, et al. Genetics in Medicine Open, Volume 3, 2025); Nonsense variant predicted to result in protein truncation or nonsense mediated decay in a gene for which loss of function is a known mechanism of disease; This variant is associated with the following publications: (PMID: 25525159, 38259611, 16326827, Schenone2025[Abstract])

Genetics Laboratory, Great Ormond Street Hospital NHS Foundation Trust, North Thames Genomic Laboratory Hub
Classification: Pathogenic for Fetal anomalies with a likely genetic cause. Last evaluated: 2026-09-14. Review status: criteria provided, single submitter. Criteria: ACGS Best Practice Guidelines for Variant Classification in Rare Disease 2024 v1.2. Collection method: clinical testing. Allele origin: germline. Affected: yes.
Comment: PM2_moderate, PVS1_very-strong

Labcorp Genetics (formerly Invitae), Labcorp
Classification: Pathogenic. Last evaluated: 2025-07-03. Review status: criteria provided, single submitter. Criteria: Invitae Variant Classification Sherloc (09022015). Collection method: clinical testing. Allele origin: germline.
Comment: This sequence change creates a premature translational stop signal (p.Arg70*) in the DYM gene. It is expected to result in an absent or disrupted protein product. Loss-of-function variants in DYM are known to be pathogenic (PMID: 12491225, 12554689, 18996921). This variant is present in population databases (rs768509996, gnomAD 0.006%). This premature translational stop signal has been observed in individual(s) with Dyggve-Melchior-Clausen syndrome (PMID: 16326827). ClinVar contains an entry for this variant (Variation ID: 449561). For these reasons, this variant has been classified as Pathogenic.

3billion
Classification: Pathogenic for Dyggve-Melchior-Clausen syndrome. Last evaluated: 2023-10-06. Review status: criteria provided, single submitter. Criteria: ACMG Guidelines, 2015. Collection method: clinical testing. Allele origin: germline. Affected: yes.
Comment: The variant is observed at an extremely low frequency in the gnomAD v2.1.1 dataset (total allele frequency: 0.003%). Predicted Consequence/Location: Stop-gained (nonsense): predicted to result in a loss or disruption of normal protein function through nonsense-mediated decay (NMD) or protein truncation. Multiple pathogenic variants are reported downstream of the variant. The variant has been reported at least twice as pathogenic without evidence for the classification (ClinVar ID: VCV000449561 /PMID: 16326827). Therefore, this variant is classified as Pathogenic according to the recommendation of ACMG/AMP guideline.

New York Genome Center
Classification: Likely pathogenic for Dyggve-Melchior-Clausen syndrome. Last evaluated: 2020-09-23. Review status: criteria provided, single submitter. Criteria: NYGC Assertion Criteria 2020. Collection method: clinical testing. Allele origin: inherited. Observed: 1 heterozygote. Study: CSER-NYCKidSeq.

Literature cited by the submitters: PubMed 12491225 (cited by Labcorp Genetics (formerly Invitae), Labcorp); PubMed 12554689 (cited by Labcorp Genetics (formerly Invitae), Labcorp); PubMed 18996921 (cited by Labcorp Genetics (formerly Invitae), Labcorp); PubMed 16326827 (cited by Labcorp Genetics (formerly Invitae), Labcorp and 3billion).

NM_001353214.3(DYM):c.208C>T (p.Arg70Ter)

Gene: DYM (dymeclin; minus strand). Cytogenetic location: 18q21.1.
Variant type: single nucleotide variant.
Coding change: c.208C>T on transcript NM_001353214.3 (MANE Select); coding-DNA position 208, C replaced by T.
Protein change: p.Arg70Ter; replaces arginine 70 with a stop codon.
Molecular consequence: nonsense. On other transcripts: intron variant (5).
Genome position (GRCh38, 1-based): chr18:49,379,744, G>A on the plus strand (C>T on the coding strand, the complement: DYM is on the minus strand). VCF-style: chr18-49379744-G-A. GRCh37 (hg19) VCF-style: chr18-46906114-G-A.
Other names: c.208C>T, p.Arg70Ter (NM_001353210.3, NM_001353213.3, NM_001374436.1 and 12 more transcripts); c.205C>T, p.Arg69Ter (NM_001353211.3, NM_001353212.3, NM_001374439.1 and 1 more transcripts); c.193+11849C>T (NM_001374443.1, NM_001374444.1, NM_001374442.1 and 2 more transcripts); short protein forms R70*, R69*.
Identifiers: ClinVar variation 449561 (VCV000449561.9), dbSNP rs768509996, ClinGen allele CA8958460.